The following is an entry in ClinVar:

ClinVar aggregate classification (germline): Conflicting classifications of pathogenicity. Review status: criteria provided, conflicting classifications (1 of 4 stars). 9 submissions from 9 submitters: Uncertain significance (4); Benign (1); Likely benign (3). 1 of the submissions does not count toward it. Last evaluated 2026-02-04.

Conditions:
LRP2-related disorder. Also called: LRP2-related condition.
Donnai-Barrow syndrome. Also called: DBS/FOAR SYNDROME; FACIOOCULOACOUSTICORENAL SYNDROME. Identifiers: Orphanet 2143, MedGen C1857277, MONDO:0009104, OMIM 222448.

Allele frequency attached by ClinVar (database versions not stated): 1000 Genomes Project 30x 0.00016; 1000 Genomes Project 0.00020; TOPMed 0.00147; gnomAD 0.00156 and 0.00171; ExAC 0.00164; gnomAD exomes 0.00179 and 0.00263; ESP Exome Variant Server 0.00215.
gnomAD v4.1: 4,058 of 1,614,180 alleles (0.25%); highest among the groups gnomAD compares: Non-Finnish European, 0.3%; 7 homozygotes.

Submissions (9):

Labcorp Genetics (formerly Invitae), Labcorp
Classification: Benign. Last evaluated: 2026-02-04. Review status: criteria provided, single submitter. Criteria: Invitae Variant Classification Sherloc (09022015). Collection method: clinical testing. Allele origin: germline.

CeGaT Center for Human Genetics Tuebingen
Classification: Likely benign. Last evaluated: 2025-07-01. Review status: criteria provided, single submitter. Criteria: CeGaT Center For Human Genetics Tuebingen Variant Classification Criteria Version 2. Collection method: clinical testing. Allele origin: germline. Affected: yes. Observed: 7 variant alleles.
Comment: LRP2: BS2

Blueprint Genetics
Classification: Likely benign. Last evaluated: 2024-11-26. Review status: criteria provided, single submitter. Criteria: ACMG Guidelines, 2015. Collection method: clinical testing. Allele origin: germline.

Department of Pathology and Laboratory Medicine, Sinai Health System
Classification: Likely benign for Donnai-Barrow syndrome. Last evaluated: 2021-12-01. Review status: criteria provided, single submitter. Criteria: ACMG Guidelines, 2015. Collection method: research. Allele origin: germline.

Genome-Nilou Lab
Classification: Uncertain significance for Donnai-Barrow syndrome. Last evaluated: 2021-07-15. Review status: criteria provided, single submitter. Criteria: ACMG Guidelines, 2015. Collection method: clinical testing. Allele origin: germline. Affected: no.

GeneDx
Classification: Uncertain significance. Last evaluated: 2020-07-17. Review status: criteria provided, single submitter. Criteria: GeneDx Variant Classification Process June 2021. Collection method: clinical testing. Allele origin: germline. Affected: yes.
Comment: In silico analysis supports that this missense variant has a deleterious effect on protein structure/function; Has not been previously published as pathogenic or benign to our knowledge

Illumina Laboratory Services, Illumina
Classification: Uncertain significance for Donnai-Barrow syndrome. Last evaluated: 2018-01-12. Review status: criteria provided, single submitter. Criteria: ICSL Variant Classification Criteria 13 December 2019. Collection method: clinical testing. Allele origin: germline.

Genetic Services Laboratory, University of Chicago
Classification: Uncertain significance. Last evaluated: 2014-08-08. Review status: criteria provided, single submitter. Criteria: ACMG Guidelines, 2015. Collection method: clinical testing. Allele origin: germline.

PreventionGenetics, part of Exact Sciences
Classification: Likely benign for LRP2-related condition. Last evaluated: 2022-02-24. Review status: no assertion criteria provided. Collection method: clinical testing. Allele origin: germline. Not counted in ClinVar's aggregate classification.
Comment: This variant is classified as likely benign based on ACMG/AMP sequence variant interpretation guidelines (Richards et al. 2015 PMID: 25741868, with internal and published modifications).

NM_004525.3(LRP2):c.12725A>G (p.Asp4242Gly)

Gene: LRP2 (LDL receptor related protein 2; minus strand). Cytogenetic location: 2q31.1.
Variant type: single nucleotide variant.
Coding change: c.12725A>G on transcript NM_004525.3 (MANE Select); coding-DNA position 12725, A replaced by G.
Protein change: p.Asp4242Gly; replaces aspartic acid 4242 with glycine.
Molecular consequence: missense variant.
Genome position (GRCh38, 1-based): chr2:169,146,825, T>C on the plus strand (A>G on the coding strand, the complement: LRP2 is on the minus strand). VCF-style: chr2-169146825-T-C. GRCh37 (hg19) VCF-style: chr2-170003335-T-C.
Other names: short protein forms D4242G.
Identifiers: ClinVar variation 211390 (VCV000211390.50), dbSNP rs35942532, ClinGen allele CA209662.